The following is an entry in ClinVar:

ClinVar aggregate classification (germline): Uncertain significance. Review status: criteria provided, multiple submitters, no conflicts (2 of 4 stars). 2 submissions from 2 submitters: Uncertain significance (2). Last evaluated 2024-08-03.

Conditions:
Familial thoracic aortic aneurysm and aortic dissection (TAAD). Also called: Thoracic aortic aneurysms and dissections. Identifiers: Orphanet 91387, MedGen C4707243, MONDO:0019625.
Ehlers-Danlos syndrome, kyphoscoliotic type 1 (EDSKSCL1). Also called: EHLERS-DANLOS SYNDROME, OCULAR-SCOLIOTIC TYPE; PLOD1-Related Kyphoscoliotic Ehlers-Danlos Syndrome; EHLERS-DANLOS SYNDROME, TYPE VIA; Ehlers-Danlos syndrome, hydroxylysine-deficient. Identifiers: Orphanet 1900, MedGen C0268342, MONDO:0016002, OMIM 225400. Disease mechanism: loss of function.

Allele frequency attached by ClinVar (database versions not stated): ExAC 0.00001; gnomAD exomes 0.00001.
gnomAD v4.1: 7 of 1,613,932 alleles (0.00043%); highest among the groups gnomAD compares: South Asian, 0.0033%; no homozygotes.

Submissions (2):

Ambry Genetics
Classification: Uncertain significance for Familial thoracic aortic aneurysm and aortic dissection. Last evaluated: 2024-08-03. Review status: criteria provided, single submitter. Criteria: Ambry Variant Classification Scheme 2023. Collection method: clinical testing. Allele origin: germline.
Comment: The p.V403I variant (also known as c.1207G>A), located in coding exon 12 of the PLOD1 gene, results from a G to A substitution at nucleotide position 1207. The valine at codon 403 is replaced by isoleucine, an amino acid with highly similar properties. This amino acid position is conserved. In addition, this alteration is predicted to be tolerated by in silico analysis. Based on the available evidence, the clinical significance of this variant remains unclear.

Labcorp Genetics (formerly Invitae), Labcorp
Classification: Uncertain significance for Ehlers-Danlos syndrome, kyphoscoliotic type 1. Last evaluated: 2021-08-04. Review status: criteria provided, single submitter. Criteria: Invitae Variant Classification Sherloc (09022015). Collection method: clinical testing. Allele origin: germline.
Comment: This sequence change replaces valine with isoleucine at codon 403 of the PLOD1 protein (p.Val403Ile). The valine residue is moderately conserved and there is a small physicochemical difference between valine and isoleucine. This variant is present in population databases (rs773517731, ExAC 0.006%). This variant has not been reported in the literature in individuals affected with PLOD1-related conditions. Algorithms developed to predict the effect of missense changes on protein structure and function output the following: SIFT: "Tolerated"; PolyPhen-2: "Benign"; Align-GVGD: "Class C0". The isoleucine amino acid residue is found in multiple mammalian species, which suggests that this missense change does not adversely affect protein function. In summary, the available evidence is currently insufficient to determine the role of this variant in disease. Therefore, it has been classified as a Variant of Uncertain Significance.

NM_000302.4(PLOD1):c.1207G>A (p.Val403Ile)

Gene: PLOD1 (procollagen-lysine,2-oxoglutarate 5-dioxygenase 1; plus strand). Cytogenetic location: 1p36.22.
Variant type: single nucleotide variant.
Coding change: c.1207G>A on transcript NM_000302.4 (MANE Select); coding-DNA position 1207, G replaced by A.
Protein change: p.Val403Ile; replaces valine 403 with isoleucine.
Molecular consequence: missense variant.
Genome position (GRCh38, 1-based): chr1:11,964,179, G>A. VCF-style: chr1-11964179-G-A. GRCh37 (hg19) VCF-style: chr1-12024236-G-A.
Other names: c.1207G>A (NM_000302.3); c.1348G>A, p.Val450Ile (NM_001316320.2); short protein forms V403I, V450I.
Identifiers: ClinVar variation 1408722 (VCV001408722.6), dbSNP rs773517731, ClinGen allele CA598329.